The following is an entry in ClinVar:

NM_001378120.1(MBD5):c.247A>G (p.Lys83Glu)

Gene: MBD5 (methyl-CpG binding domain protein 5; plus strand). Cytogenetic location: 2q23.1.
Variant type: single nucleotide variant.
Coding change: c.247A>G on transcript NM_001378120.1 (MANE Select); coding-DNA position 247, A replaced by G.
Protein change: p.Lys83Glu; replaces lysine 83 with glutamic acid.
Molecular consequence: missense variant.
Genome position (GRCh38, 1-based): chr2:148,463,769, A>G. VCF-style: chr2-148463769-A-G. GRCh37 (hg19) VCF-style: chr2-149221338-A-G.
Other names: c.247A>G, p.Lys83Glu (NM_018328.5); short protein forms K83E.
Identifiers: ClinVar variation 566254 (VCV000566254.9), dbSNP rs1559083055, ClinGen allele CA348716374.

ClinVar aggregate classification (germline): Uncertain significance (1 of 4 stars; one submission).

Conditions:
Intellectual developmental disorder, autosomal dominant 1. Also called: Intellectual disability, autosomal dominant 1; MBD5 Haploinsufficiency. Identifiers: Orphanet 228402, MedGen C1969562, MONDO:0007974, OMIM 156200.

Submission:

Labcorp Genetics (formerly Invitae), Labcorp
Classification: Uncertain significance for Intellectual developmental disorder, autosomal dominant 1. Last evaluated: 2018-01-08. Review status: criteria provided, single submitter. Criteria: Invitae Variant Classification Sherloc (09022015). Collection method: clinical testing. Allele origin: germline.
Comment: Algorithms developed to predict the effect of missense changes on protein structure and function do not agree on the potential impact of this missense change (SIFT: "Deleterious"; PolyPhen-2: "Possibly Damaging"; Align-GVGD: "Class C0"). In summary, the available evidence is currently insufficient to determine the role of this variant in disease. Therefore, it has been classified as a Variant of Uncertain Significance. This variant has not been reported in the literature in individuals with MBD5-related disease. This variant is not present in population databases (ExAC no frequency). This sequence change replaces lysine with glutamic acid at codon 83 of the MBD5 protein (p.Lys83Glu). The lysine residue is highly conserved and there is a small physicochemical difference between lysine and glutamic acid.